The following is an entry in ClinVar:

NM_000051.4(ATM):c.6007-20T>A

Genes: ATM (ATM serine/threonine kinase; plus strand), C11orf65 (chromosome 11 open reading frame 65; minus strand). Cytogenetic location: 11q22.3.
Variant type: single nucleotide variant.
Coding change: c.6007-20T>A on transcript NM_000051.4 (MANE Select); 20 bases into the intron before coding-DNA position 6007, T replaced by A.
Molecular consequence: intron variant.
Genome position (GRCh38, 1-based): chr11:108,315,803, T>A. VCF-style: chr11-108315803-T-A. GRCh37 (hg19) VCF-style: chr11-108186530-T-A.
Other names: c.6007-20T>A (NM_001351834.2); c.641-6732A>T (NM_001330368.2); c.*39-6732A>T (NM_001351110.2).
Identifiers: ClinVar variation 2835115 (VCV002835115.3), dbSNP rs2136116073, ClinGen allele CA2739265969.

ClinVar aggregate classification (germline): Uncertain significance (1 of 4 stars; one submission).

Conditions:
Ataxia-telangiectasia syndrome (AT). Also called: LOUIS-BAR SYNDROME; Cerebello-oculocutaneous telangiectasia; Immunodeficiency with ataxia telangiectasia; Ataxia telangiectasia (A-T); Ataxia-telangiectasia, complementation group D; AT, COMPLEMENTATION GROUP C. Identifiers: Orphanet 100, MedGen C0004135, MONDO:0008840, OMIM 208900.

Submission:

Labcorp Genetics (formerly Invitae), Labcorp
Classification: Uncertain significance for Ataxia-telangiectasia syndrome. Last evaluated: 2025-12-09. Review status: criteria provided, single submitter. Criteria: Invitae Variant Classification Sherloc (09022015). Collection method: clinical testing. Allele origin: germline.
Comment: This sequence change falls in intron 40 of the ATM gene. It does not directly change the encoded amino acid sequence of the ATM protein. This variant is not present in population databases (gnomAD no frequency). This variant has not been reported in the literature in individuals affected with ATM-related conditions. ClinVar contains an entry for this variant (Variation ID: 2835115). Algorithms developed to predict the effect of sequence changes on RNA splicing suggest that this variant may disrupt the consensus splice site. In summary, the available evidence is currently insufficient to determine the role of this variant in disease. Therefore, it has been classified as a Variant of Uncertain Significance.